The following is an entry in ClinVar:

ClinVar aggregate classification (germline): Uncertain significance (1 of 4 stars; one submission).

Conditions:
Idiopathic generalized epilepsy. Also called: Generalised epilepsy; EIG. Identifiers: MedGen C0270850, MONDO:0005579, OMIM 600669.
Hyperaldosteronism, familial, type IV (HALD4). Also called: FH IV; ALDOSTERONISM, PRIMARY, AND HYPERTENSION. Identifiers: Orphanet 642671, MedGen C4310756, MONDO:0014875, OMIM 617027.

Allele frequency attached by ClinVar (database versions not stated): gnomAD exomes below 0.00001; TOPMed below 0.00001.
gnomAD v4.1: 1 of 1,610,668 alleles (0.000062%); highest among the groups gnomAD compares: Non-Finnish European, 0.000085%; no homozygotes.

Submission:

Labcorp Genetics (formerly Invitae), Labcorp
Classification: Uncertain significance for Idiopathic generalized epilepsy; Hyperaldosteronism, familial, type IV. Last evaluated: 2019-04-22. Review status: criteria provided, single submitter. Criteria: Invitae Variant Classification Sherloc (09022015). Collection method: clinical testing. Allele origin: germline.
Comment: In summary, the available evidence is currently insufficient to determine the role of this variant in disease. Therefore, it has been classified as a Variant of Uncertain Significance. Algorithms developed to predict the effect of missense changes on protein structure and function (SIFT, PolyPhen-2, Align-GVGD) all suggest that this variant is likely to be disruptive, but these predictions have not been confirmed by published functional studies and their clinical significance is uncertain. This variant has not been reported in the literature in individuals with CACNA1H-related conditions. This variant is not present in population databases (ExAC no frequency). This sequence change replaces leucine with proline at codon 1621 of the CACNA1H protein (p.Leu1621Pro). The leucine residue is highly conserved and there is a moderate physicochemical difference between leucine and proline.

NM_021098.3(CACNA1H):c.4862T>C (p.Leu1621Pro)

Gene: CACNA1H (calcium voltage-gated channel subunit alpha1 H; plus strand). Cytogenetic location: 16p13.3.
Variant type: single nucleotide variant.
Coding change: c.4862T>C on transcript NM_021098.3 (MANE Select); coding-DNA position 4862, T replaced by C.
Protein change: p.Leu1621Pro; replaces leucine 1621 with proline.
Molecular consequence: missense variant.
Genome position (GRCh38, 1-based): chr16:1,213,864, T>C. VCF-style: chr16-1213864-T-C. GRCh37 (hg19) VCF-style: chr16-1263864-T-C.
Other names: c.4844T>C, p.Leu1615Pro (NM_001005407.2); short protein forms L1615P, L1621P.
Identifiers: ClinVar variation 840992 (VCV000840992.9), dbSNP rs1969748016, ClinGen allele CA394145380.